The following is an entry in ClinVar:

ClinVar aggregate classification (germline): Conflicting classifications of pathogenicity. Review status: criteria provided, conflicting classifications (1 of 4 stars). 6 submissions from 5 submitters: Uncertain significance (2); Likely benign (3). 1 of the submissions does not count toward it. Last evaluated 2026-05-11.

Conditions:
Usher syndrome type 1 (USH1). Also called: RETINITIS PIGMENTOSA AND CONGENITAL DEAFNESS. Identifiers: Orphanet 231169, Orphanet 886, MedGen C1568247, MONDO:0010168, OMIM 276900.
Usher syndrome type 1D (USH1D). Also called: USHER SYNDROME, TYPE ID. Identifiers: Orphanet 231169, Orphanet 886, MedGen C1832845, MONDO:0010984, OMIM 601067.
Autosomal recessive nonsyndromic hearing loss 12. Also called: DEAFNESS, AUTOSOMAL RECESSIVE 12. Identifiers: Orphanet 90636, MedGen C1832394, MONDO:0011067, OMIM 601386.
CDH23-related disorder. Also called: CDH23-related disorders; CDH23-related condition.

Allele frequency attached by ClinVar (database versions not stated): gnomAD 0.00001; TOPMed 0.00003; ExAC 0.00006; gnomAD exomes 0.00007.
gnomAD v4.1: 104 of 1,613,874 alleles (0.0064%); highest among the groups gnomAD compares: East Asian, 0.22%; 2 homozygotes.

Submissions (6):

PreventionGenetics, part of Exact Sciences
Classification: Likely benign for CDH23-related condition. Last evaluated: 2026-05-11. Review status: criteria provided, single submitter. Criteria: ACMG Guidelines, 2015. Collection method: clinical testing. Allele origin: germline.
Comment: This variant is classified as likely benign based on ACMG/AMP sequence variant interpretation guidelines (Richards et al. 2015 PMID: 25741868, with internal and published modifications).

Labcorp Genetics (formerly Invitae), Labcorp
Classification: Likely benign. Last evaluated: 2026-01-20. Review status: criteria provided, single submitter. Criteria: Invitae Variant Classification Sherloc (09022015). Collection method: clinical testing. Allele origin: germline.

Blueprint Genetics
Classification: Likely benign. Last evaluated: 2024-10-03. Review status: criteria provided, single submitter. Criteria: ACMG Guidelines, 2015. Collection method: clinical testing. Allele origin: germline.

Illumina Laboratory Services, Illumina
Classification: Uncertain significance for Usher syndrome type 1D. Last evaluated: 2018-01-13. Review status: criteria provided, single submitter. Criteria: ICSL Variant Classification Criteria 13 December 2019. Collection method: clinical testing. Allele origin: germline.

Illumina Laboratory Services, Illumina
Classification: Uncertain significance for Autosomal recessive nonsyndromic hearing loss 12. Last evaluated: 2018-01-13. Review status: criteria provided, single submitter. Criteria: ICSL Variant Classification Criteria 13 December 2019. Collection method: clinical testing. Allele origin: germline.

Natera, Inc.
Classification: Uncertain significance for Usher syndrome type 1. Last evaluated: 2020-04-16. Review status: no assertion criteria provided. Collection method: clinical testing. Allele origin: germline. Not counted in ClinVar's aggregate classification.

NM_022124.6(CDH23):c.5397G>A (p.Gly1799=)

Gene: CDH23 (cadherin related 23; plus strand). Cytogenetic location: 10q22.1.
Variant type: single nucleotide variant.
Coding change: c.5397G>A on transcript NM_022124.6 (MANE Select); coding-DNA position 5397, G replaced by A.
Protein change: p.Gly1799=; no amino-acid change (glycine 1799 retained).
Molecular consequence: synonymous variant.
Genome position (GRCh38, 1-based): chr10:71,784,315, G>A. VCF-style: chr10-71784315-G-A. GRCh37 (hg19) VCF-style: chr10-73544072-G-A.
Identifiers: ClinVar variation 751626 (VCV000751626.17), dbSNP rs749913488, ClinGen allele CA5545741.